The following is an entry in ClinVar:

ClinVar aggregate classification (germline): Conflicting classifications of pathogenicity. Review status: criteria provided, conflicting classifications (1 of 4 stars). 4 submissions from 4 submitters: Uncertain significance (3); Likely benign (1). Last evaluated 2025-10-19.

Conditions:
Hypotonia, infantile, with psychomotor retardation and characteristic facies 1 (INNFD). Identifiers: Orphanet 371364, Orphanet 700336, MedGen C3809454, MONDO:0024567, OMIM 615419.
Congenital contractures of the limbs and face, hypotonia, and developmental delay (CLIFAHDD). Identifiers: Orphanet 562528, MedGen C4225398, MONDO:0014556, OMIM 616266.

Allele frequency attached by ClinVar (database versions not stated): ExAC 0.00013; gnomAD 0.00002; TOPMed 0.00009; gnomAD exomes 0.00006 and 0.00021.
gnomAD v4.1: 85 of 1,613,984 alleles (0.0053%); highest among the groups gnomAD compares: Admixed American, 0.092%; 1 homozygote.

Submissions (4):

Labcorp Genetics (formerly Invitae), Labcorp
Classification: Likely benign. Last evaluated: 2025-10-19. Review status: criteria provided, single submitter. Criteria: Invitae Variant Classification Sherloc (09022015). Collection method: clinical testing. Allele origin: germline.

GeneDx
Classification: Uncertain significance. Last evaluated: 2024-04-29. Review status: criteria provided, single submitter. Criteria: GeneDx Variant Classification Process June 2021. Collection method: clinical testing. Allele origin: germline. Affected: yes.
Comment: In silico analysis indicates that this missense variant does not alter protein structure/function; Has not been previously published as pathogenic or benign to our knowledge

Fulgent Genetics
Classification: Uncertain significance for Hypotonia, infantile, with psychomotor retardation and characteristic facies 1; Congenital contractures of the limbs and face, hypotonia, and developmental delay. Last evaluated: 2021-07-14. Review status: criteria provided, single submitter. Criteria: ACMG Guidelines, 2015. Collection method: clinical testing. Allele origin: unknown.

New York Genome Center
Classification: Uncertain significance for Hypotonia, infantile, with psychomotor retardation and characteristic facies 1. Last evaluated: 2020-04-25. Review status: criteria provided, single submitter. Criteria: NYGC Assertion Criteria 2020. Collection method: clinical testing. Allele origin: germline. Observed: 1 homozygote. Study: CSER-NYCKidSeq.

NM_052867.4(NALCN):c.3845C>T (p.Ser1282Leu)

Gene: NALCN (sodium leak channel, non-selective; minus strand). Cytogenetic location: 13q32.3.
Variant type: single nucleotide variant.
Coding change: c.3845C>T on transcript NM_052867.4 (MANE Select); coding-DNA position 3845, C replaced by T.
Protein change: p.Ser1282Leu; replaces serine 1282 with leucine.
Molecular consequence: missense variant.
Genome position (GRCh38, 1-based): chr13:101,081,567, G>A on the plus strand (C>T on the coding strand, the complement: NALCN is on the minus strand). VCF-style: chr13-101081567-G-A. GRCh37 (hg19) VCF-style: chr13-101733918-G-A.
Other names: c.3932C>T, p.Ser1311Leu (NM_001350748.2); c.3845C>T, p.Ser1282Leu (NM_001350749.2); c.3758C>T, p.Ser1253Leu (NM_001350750.2, NM_001350751.2); short protein forms S1253L, S1282L, S1311L.
Identifiers: ClinVar variation 1254704 (VCV001254704.12), dbSNP rs763353781, ClinGen allele CA7035282.